The following is an entry in ClinVar:

NM_198253.3(TERT):c.-6C>A

Genes: TERT (telomerase reverse transcriptase; minus strand), LOC110806263 (TERT 5' regulatory region; plus strand). Cytogenetic location: 5p15.33.
Variant type: single nucleotide variant.
Coding change: c.-6C>A on transcript NM_198253.3 (MANE Select); 6 bases upstream of the start codon, C replaced by A.
Molecular consequence: 5 prime UTR variant. On other transcripts: non-coding transcript variant (2).
Genome position (GRCh38, 1-based): chr5:1,294,995, G>T on the plus strand (C>A on the coding strand, the complement: TERT is on the minus strand). VCF-style: chr5-1294995-G-T. GRCh37 (hg19) VCF-style: chr5-1295110-G-T.
Other names: c.-6C>A (NM_001193376.3).
Identifiers: ClinVar variation 3354133 (VCV003354133.1).

ClinVar aggregate classification (germline): Likely benign (0 of 4 stars; one submission).

Conditions:
TERT-related disorder. Also called: TERT-related disorders; TERT-related condition.

Submission:

PreventionGenetics, part of Exact Sciences
Classification: Likely benign for TERT-related condition. Last evaluated: 2024-06-26. Review status: no assertion criteria provided. Collection method: clinical testing. Allele origin: germline.
Comment: This variant is classified as likely benign based on ACMG/AMP sequence variant interpretation guidelines (Richards et al. 2015 PMID: 25741868, with internal and published modifications).